The following is an entry in ClinVar:

ClinVar aggregate classification (germline): Benign (0 of 4 stars; one submission).

Conditions:
MUC16-related disorder. Also called: MUC16-related condition.

Allele frequency attached by ClinVar (database versions not stated): 1000 Genomes Project 30x 0.19066.

Submission:

PreventionGenetics, part of Exact Sciences
Classification: Benign for MUC16-related condition. Last evaluated: 2019-06-06. Review status: no assertion criteria provided. Collection method: clinical testing. Allele origin: germline.
Comment: This variant is classified as benign based on ACMG/AMP sequence variant interpretation guidelines (Richards et al. 2015 PMID: 25741868, with internal and published modifications).

NM_001401501.2(MUC16):c.39430A>G (p.Ile13144Val)

Gene: MUC16 (mucin 16, cell surface associated; minus strand). Cytogenetic location: 19p13.2.
Variant type: single nucleotide variant.
Coding change: c.39430A>G on transcript NM_001401501.2 (MANE Select); coding-DNA position 39430, A replaced by G.
Protein change: p.Ile13144Val; replaces isoleucine 13144 with valine.
Molecular consequence: missense variant.
Genome position (GRCh38, 1-based): chr19:8,897,632, T>C on the plus strand (A>G on the coding strand, the complement: MUC16 is on the minus strand). VCF-style: chr19-8897632-T-C. GRCh37 (hg19) VCF-style: chr19-9008308-T-C.
Other names: c.39856A>G, p.Ile13286Val (NM_001414686.1); c.39310A>G, p.Ile13104Val (NM_001414687.1); c.39244A>G, p.Ile13082Val (NM_024690.2); short protein forms I13082V, I13104V, I13144V, I13286V.
Identifiers: ClinVar variation 3043865 (VCV003043865.2), dbSNP rs1312073640, ClinGen allele CA403817548.